The following is an entry in ClinVar:

NM_003458.4(BSN):c.10118C>T (p.Ser3373Leu)

Gene: BSN (bassoon presynaptic cytomatrix protein; plus strand). Cytogenetic location: 3p21.31.
Variant type: single nucleotide variant.
Coding change: c.10118C>T on transcript NM_003458.4 (MANE Select); coding-DNA position 10118, C replaced by T.
Protein change: p.Ser3373Leu; replaces serine 3373 with leucine.
Molecular consequence: missense variant.
Genome position (GRCh38, 1-based): chr3:49,661,963, C>T. VCF-style: chr3-49661963-C-T. GRCh37 (hg19) VCF-style: chr3-49699396-C-T.
Other names: short protein forms S3373L.
Identifiers: ClinVar variation 4536483 (VCV004536483.1).

ClinVar aggregate classification (germline): Uncertain significance (1 of 4 stars; one submission).

gnomAD v4.1: 8 of 1,613,978 alleles (0.0005%); highest among the groups gnomAD compares: South Asian, 0.0022%; no homozygotes.

Submission:

GeneDx
Classification: Uncertain significance. Last evaluated: 2025-06-02. Review status: criteria provided, single submitter. Criteria: GeneDx Variant Classification Process June 2021. Collection method: clinical testing. Allele origin: germline. Affected: yes.
Comment: In silico analysis supports that this missense variant has a deleterious effect on protein structure/function; Has not been previously published as pathogenic or benign to our knowledge